The following is an entry in ClinVar:

NM_032603.5(LOXL3):c.292G>A (p.Ala98Thr)

Genes: DOK1 (docking protein 1; plus strand), LOXL3 (lysyl oxidase like 3; minus strand). Cytogenetic location: 2p13.1.
Variant type: single nucleotide variant.
Coding change: c.292G>A on transcript NM_032603.5 (MANE Select); coding-DNA position 292, G replaced by A.
Protein change: p.Ala98Thr; replaces alanine 98 with threonine.
Molecular consequence: missense variant. On other transcripts: intron variant (1).
Genome position (GRCh38, 1-based): chr2:74,552,343, C>T on the plus strand (G>A on the coding strand, the complement: LOXL3 is on the minus strand). VCF-style: chr2-74552343-C-T. GRCh37 (hg19) VCF-style: chr2-74779470-C-T.
Other names: c.292G>A, p.Ala98Thr (NM_001289164.3); c.-357-2811C>T (NM_001197260.2); short protein forms A98T.
Identifiers: ClinVar variation 1477202 (VCV001477202.5), dbSNP rs775248732, ClinGen allele CA1729228.

ClinVar aggregate classification (germline): Uncertain significance. Review status: criteria provided, multiple submitters, no conflicts (2 of 4 stars). 2 submissions from 2 submitters: Uncertain significance (2). Last evaluated 2025-05-05.

Allele frequency attached by ClinVar (database versions not stated): ExAC 0.00002; gnomAD exomes 0.00001.
gnomAD v4.1: 22 of 1,601,722 alleles (0.0014%); highest among the groups gnomAD compares: Non-Finnish European, 0.0017%; no homozygotes.

Submissions (2):

Ambry Genetics
Classification: Uncertain significance. Last evaluated: 2025-05-05. Review status: criteria provided, single submitter. Criteria: Ambry Variant Classification Scheme 2023. Collection method: clinical testing. Allele origin: germline.

Labcorp Genetics (formerly Invitae), Labcorp
Classification: Uncertain significance. Last evaluated: 2021-08-24. Review status: criteria provided, single submitter. Criteria: Invitae Variant Classification Sherloc (09022015). Collection method: clinical testing. Allele origin: germline.
Comment: This sequence change replaces alanine with threonine at codon 98 of the LOXL3 protein (p.Ala98Thr). The alanine residue is highly conserved and there is a small physicochemical difference between alanine and threonine. This variant is present in population databases (rs775248732, ExAC 0.003%). This variant has not been reported in the literature in individuals affected with LOXL3-related conditions. Algorithms developed to predict the effect of missense changes on protein structure and function (SIFT, PolyPhen-2, Align-GVGD) all suggest that this variant is likely to be disruptive. In summary, the available evidence is currently insufficient to determine the role of this variant in disease. Therefore, it has been classified as a Variant of Uncertain Significance.